The following is an entry in ClinVar:

ClinVar aggregate classification (germline): Uncertain significance (1 of 4 stars; one submission).

Conditions:
Severe combined immunodeficiency due to DNA-PKcs deficiency. Also called: IMMUNODEFICIENCY 26 WITH NEUROLOGIC ABNORMALITIES; Immunodeficiency 26 with or without neurologic abnormalities. Identifiers: Orphanet 317425, MedGen C4014833, MONDO:0014423, OMIM 615966.

gnomAD v4.1: 2 of 1,610,364 alleles (0.00012%); highest among the groups gnomAD compares: Non-Finnish European, 0.00017%; no homozygotes.

Submission:

Labcorp Genetics (formerly Invitae), Labcorp
Classification: Uncertain significance for Immunodeficiency 26 with or without neurologic abnormalities. Last evaluated: 2019-09-27. Review status: criteria provided, single submitter. Criteria: Invitae Variant Classification Sherloc (09022015). Collection method: clinical testing. Allele origin: germline.
Comment: This sequence change replaces valine with methionine at codon 1845 of the PRKDC protein (p.Val1845Met). The valine residue is moderately conserved and there is a small physicochemical difference between valine and methionine. This variant is not present in population databases (ExAC no frequency). This variant has not been reported in the literature in individuals with PRKDC-related conditions. Algorithms developed to predict the effect of missense changes on protein structure and function are either unavailable or do not agree on the potential impact of this missense change (SIFT: "Tolerated"; PolyPhen-2: "Not Available"; Align-GVGD: "Class C0"). In summary, the available evidence is currently insufficient to determine the role of this variant in disease. Therefore, it has been classified as a Variant of Uncertain Significance.

NM_006904.7(PRKDC):c.5533G>A (p.Val1845Met)

Gene: PRKDC (protein kinase, DNA-activated, catalytic subunit; minus strand). Cytogenetic location: 8q11.21.
Variant type: single nucleotide variant.
Coding change: c.5533G>A on transcript NM_006904.7 (MANE Select); coding-DNA position 5533, G replaced by A.
Protein change: p.Val1845Met; replaces valine 1845 with methionine.
Molecular consequence: missense variant.
Genome position (GRCh38, 1-based): chr8:47,864,594, C>T on the plus strand (G>A on the coding strand, the complement: PRKDC is on the minus strand). VCF-style: chr8-47864594-C-T. GRCh37 (hg19) VCF-style: chr8-48777155-C-T.
Other names: c.5533G>A, p.Val1845Met (NM_001081640.2); short protein forms V1845M.
Identifiers: ClinVar variation 940913 (VCV000940913.1), dbSNP rs749630133, ClinGen allele CA371163356.
Genomic context (GRCh38, chr8:47,864,594, plus strand): 5'-ACTGATTTAAGGCGTATGATACCTTTGTAAACCTGGACTTCAACACATCAATGGCATCCA[C>T]CACAATTGTGCTGAAGAATTCTCTCAAAGCATCCAGGCTACAGTGCCACAGCAGAGTGAG-3'
Protein context (NP_008835.5, residues 1835-1855): ALREFFSTIV[Val1845Met]DAIDVLKSRF